The following is an entry in ClinVar:

NM_139279.6(MCFD2):c.*1043G>A

Genes: MCFD2 (multiple coagulation factor deficiency 2, ER cargo receptor complex subunit; minus strand), MCFD2-AS1 (MCFD2 antisense RNA 1; plus strand). Cytogenetic location: 2p21.
Variant type: single nucleotide variant.
Coding change: c.*1043G>A on transcript NM_139279.6 (MANE Select); 1043 bases downstream of the stop codon, G replaced by A.
Molecular consequence: 3 prime UTR variant.
Genome position (GRCh38, 1-based): chr2:46,904,420, C>T on the plus strand (G>A on the coding strand, the complement: MCFD2 is on the minus strand). VCF-style: chr2-46904420-C-T. GRCh37 (hg19) VCF-style: chr2-47131559-C-T.
Other names: c.*1043G>A (NM_001171506.2, NM_001171507.2, NM_001171508.2 and 3 more transcripts).
Identifiers: ClinVar variation 336363 (VCV000336363.5), dbSNP rs114662283, ClinGen allele CA10615688.

ClinVar aggregate classification (germline): Benign (1 of 4 stars; one submission).

Conditions:
Factor 5 and Factor VIII, combined deficiency of, 2. Identifiers: Orphanet 35909, MedGen C3150889, MONDO:0013331, OMIM 613625.

Allele frequency attached by ClinVar (database versions not stated): 1000 Genomes Project 30x 0.01156; gnomAD 0.00988 and 0.01064; 1000 Genomes Project 0.01178; TOPMed 0.01061.

Submission:

Illumina Laboratory Services, Illumina
Classification: Benign for Factor 5 and Factor VIII, combined deficiency of, 2. Last evaluated: 2018-01-13. Review status: criteria provided, single submitter. Criteria: ICSL Variant Classification Criteria 13 December 2019. Collection method: clinical testing. Allele origin: germline.
Comment: This variant was observed in the ICSL laboratory as part of a predisposition screen in an ostensibly healthy population. It had not been previously curated by ICSL or reported in the Human Gene Mutation Database (HGMD: prior to June 1st, 2018), and was therefore a candidate for classification through an automated scoring system. Utilizing variant allele frequency, disease prevalence and penetrance estimates, and inheritance mode, an automated score was calculated to assess if this variant is too frequent to cause the disease. Based on the score and internal cut-off values, a variant classified as benign is not then subjected to further curation. The score for this variant resulted in a classification of benign for this disease.